The following is an entry in ClinVar:

ClinVar aggregate classification (germline): Uncertain significance (1 of 4 stars; one submission).

Conditions:
Chédiak-Higashi syndrome (CHS). Also called: Chediak-Higashi Syndrome. Identifiers: Orphanet 167, MedGen C0007965, MONDO:0008963, OMIM 214500.

gnomAD v4.1: 1 of 1,614,196 alleles (0.000062%); highest among the groups gnomAD compares: Non-Finnish European, 0.000085%; no homozygotes.

Submission:

Labcorp Genetics (formerly Invitae), Labcorp
Classification: Uncertain significance for Chédiak-Higashi syndrome. Last evaluated: 2025-04-01. Review status: criteria provided, single submitter. Criteria: Invitae Variant Classification Sherloc (09022015). Collection method: clinical testing. Allele origin: germline.
Comment: This sequence change replaces glutamine, which is neutral and polar, with histidine, which is basic and polar, at codon 3442 of the LYST protein (p.Gln3442His). This variant is present in population databases (rs200639314, gnomAD 0.0009%). This variant has not been reported in the literature in individuals affected with LYST-related conditions. An algorithm developed to predict the effect of missense changes on protein structure and function (PolyPhen-2) suggests that this variant is likely to be disruptive. In summary, the available evidence is currently insufficient to determine the role of this variant in disease. Therefore, it has been classified as a Variant of Uncertain Significance.

NM_000081.4(LYST):c.10326G>C (p.Gln3442His)

Gene: LYST (lysosomal trafficking regulator; minus strand). Cytogenetic location: 1q42.3.
Variant type: single nucleotide variant.
Coding change: c.10326G>C on transcript NM_000081.4 (MANE Select); coding-DNA position 10326, G replaced by C.
Protein change: p.Gln3442His; replaces glutamine 3442 with histidine.
Molecular consequence: missense variant.
Genome position (GRCh38, 1-based): chr1:235,702,795, C>G on the plus strand (G>C on the coding strand, the complement: LYST is on the minus strand). VCF-style: chr1-235702795-C-G. GRCh37 (hg19) VCF-style: chr1-235866095-C-G.
Other names: c.10326G>C, p.Gln3442His (NM_001301365.1); short protein forms Q3442H.
Identifiers: ClinVar variation 4798731 (VCV004798731.1).
Genomic context (GRCh38, chr1:235,702,795, plus strand): 5'-CAAATGACATACCGGATAGGTGATTTCTTTGACCTGTTCTCGGGTCTCCCTGAAAGCAAA[C>G]TGCACTAGCAACCCCACAGCAGCTGGAAGCTCTCCTTCAATATTGAGCTTGGCTCCAGGT-3'
Protein context (NP_000072.2, residues 3432-3452): ELPAAVGLLV[Gln3442His]FAFRETREQV